The following is an entry in ClinVar:

ClinVar aggregate classification (germline): Uncertain significance (1 of 4 stars; one submission).

Conditions:
Xeroderma pigmentosum, group F (XPF). Also called: XERODERMA PIGMENTOSUM, COMPLEMENTATION GROUP F; XERODERMA PIGMENTOSUM, TYPE F; Xeroderma pigmentosum, type 6; XERODERMA PIGMENTOSUM VI; XP, GROUP F; ERCC4-Related Xeroderma Pigmentosum. Identifiers: MedGen C0268140, MONDO:0010215, OMIM 278760.
Fanconi anemia complementation group Q. Identifiers: Orphanet 84, MedGen C3808988, MONDO:0014108, OMIM 615272.
Cockayne syndrome. Identifiers: Orphanet 191, MedGen C0009207, MONDO:0016006.

Allele frequency attached by ClinVar (database versions not stated): gnomAD exomes below 0.00001; ExAC 0.00001.

Submission:

Labcorp Genetics (formerly Invitae), Labcorp
Classification: Uncertain significance for Fanconi anemia complementation group Q; Xeroderma pigmentosum, group F; Cockayne syndrome. Last evaluated: 2023-09-21. Review status: criteria provided, single submitter. Criteria: Invitae Variant Classification Sherloc (09022015). Collection method: clinical testing. Allele origin: germline.
Comment: This sequence change replaces histidine, which is basic and polar, with tyrosine, which is neutral and polar, at codon 83 of the ERCC4 protein (p.His83Tyr). The frequency data for this variant in the population databases is considered unreliable, as metrics indicate poor data quality at this position in the gnomAD database. This variant has not been reported in the literature in individuals affected with ERCC4-related conditions. Advanced modeling of protein sequence and biophysical properties (such as structural, functional, and spatial information, amino acid conservation, physicochemical variation, residue mobility, and thermodynamic stability) performed at Invitae indicates that this missense variant is not expected to disrupt ERCC4 protein function. In summary, the available evidence is currently insufficient to determine the role of this variant in disease. Therefore, it has been classified as a Variant of Uncertain Significance.

NM_005236.3(ERCC4):c.247C>T (p.His83Tyr)

Gene: ERCC4 (ERCC excision repair 4, endonuclease catalytic subunit; plus strand). Cytogenetic location: 16p13.12.
Variant type: single nucleotide variant.
Coding change: c.247C>T on transcript NM_005236.3 (MANE Select); coding-DNA position 247, C replaced by T.
Protein change: p.His83Tyr; replaces histidine 83 with tyrosine.
Molecular consequence: missense variant.
Genome position (GRCh38, 1-based): chr16:13,922,070, C>T. VCF-style: chr16-13922070-C-T. GRCh37 (hg19) VCF-style: chr16-14015927-C-T.
Other names: short protein forms H83Y.
Identifiers: ClinVar variation 2936264 (VCV002936264.3), dbSNP rs755021656, ClinGen allele CA7910136.